The following is an entry in ClinVar:

NM_003705.5(SLC25A12):c.*5A>G

Gene: SLC25A12 (solute carrier family 25 member 12; minus strand). Cytogenetic location: 2q31.1.
Variant type: single nucleotide variant.
Coding change: c.*5A>G on transcript NM_003705.5 (MANE Select); 5 bases downstream of the stop codon, A replaced by G.
Molecular consequence: 3 prime UTR variant. On other transcripts: non-coding transcript variant (1).
Genome position (GRCh38, 1-based): chr2:171,785,269, T>C on the plus strand (A>G on the coding strand, the complement: SLC25A12 is on the minus strand). VCF-style: chr2-171785269-T-C. GRCh37 (hg19) VCF-style: chr2-172641779-T-C.
Identifiers: ClinVar variation 3049843 (VCV003049843.2), dbSNP rs368874798, ClinGen allele CA1965980.

ClinVar aggregate classification (germline): Likely benign (0 of 4 stars; one submission).

Conditions:
SLC25A12-related disorder. Also called: SLC25A12-related condition.

Allele frequency attached by ClinVar (database versions not stated): gnomAD exomes below 0.00001; ExAC 0.00001; gnomAD 0.00003; TOPMed 0.00008; ESP Exome Variant Server 0.00015; 1000 Genomes Project 30x 0.00016; 1000 Genomes Project 0.00020.
gnomAD v4.1: 10 of 1,614,016 alleles (0.00062%); highest among the groups gnomAD compares: African/African-American, 0.012%; no homozygotes.

Submission:

PreventionGenetics, part of Exact Sciences
Classification: Likely benign for SLC25A12-related condition. Last evaluated: 2019-07-12. Review status: no assertion criteria provided. Collection method: clinical testing. Allele origin: germline.
Comment: This variant is classified as likely benign based on ACMG/AMP sequence variant interpretation guidelines (Richards et al. 2015 PMID: 25741868, with internal and published modifications).